The following is an entry in ClinVar:

NM_001365276.2(TNXB):c.10573C>A (p.Arg3525Ser)

Gene: TNXB (tenascin XB; minus strand). Cytogenetic location: 6p21.33.
Variant type: single nucleotide variant.
Coding change: c.10573C>A on transcript NM_001365276.2 (MANE Select); coding-DNA position 10573, C replaced by A.
Protein change: p.Arg3525Ser; replaces arginine 3525 with serine.
Molecular consequence: missense variant.
Genome position (GRCh38, 1-based): chr6:32,046,208, G>T on the plus strand (C>A on the coding strand, the complement: TNXB is on the minus strand). VCF-style: chr6-32046208-G-T. GRCh37 (hg19) VCF-style: chr6-32013985-G-T.
Other names: c.11314C>A, p.Arg3772Ser (NM_001428335.1); c.10567C>A, p.Arg3523Ser (NM_019105.8); short protein forms R3523S, R3525S, R3772S.
Identifiers: ClinVar variation 3809332 (VCV003809332.1).

ClinVar aggregate classification (germline): Uncertain significance (1 of 4 stars; one submission).

Conditions:
Cardiovascular phenotype. Identifiers: MedGen CN230736.

gnomAD v4.1: 1 of 1,592,194 alleles (0.000063%); highest among the groups gnomAD compares: Non-Finnish European, 0.000086%; no homozygotes.

Submission:

Ambry Genetics
Classification: Uncertain significance for Cardiovascular phenotype. Last evaluated: 2025-01-13. Review status: criteria provided, single submitter. Criteria: Ambry Variant Classification Scheme 2023. Collection method: clinical testing. Allele origin: germline.
Comment: The p.R3523S variant (also known as c.10567C>A), located in coding exon 30 of the TNXB gene, results from a C to A substitution at nucleotide position 10567. The arginine at codon 3523 is replaced by serine, an amino acid with dissimilar properties. This amino acid position is conserved. In addition, this alteration is predicted to be tolerated by in silico analysis. Based on the available evidence, the clinical significance of this variant remains unclear.